The following is an entry in ClinVar:

NM_004646.4(NPHS1):c.3481+1G>T

Gene: NPHS1 (NPHS1 adhesion molecule, nephrin; minus strand). Cytogenetic location: 19q13.12.
Variant type: single nucleotide variant.
Coding change: c.3481+1G>T on transcript NM_004646.4 (MANE Select); the canonical splice donor site of the intron after coding-DNA position 3481, G replaced by T.
Molecular consequence: splice donor variant.
Genome position (GRCh38, 1-based): chr19:35,831,052, C>A on the plus strand (G>T on the coding strand, the complement: NPHS1 is on the minus strand). VCF-style: chr19-35831052-C-A. GRCh37 (hg19) VCF-style: chr19-36321954-C-A.
Identifiers: ClinVar variation 928578 (VCV000928578.24), dbSNP rs142883811, ClinGen allele CA9389747.
Genomic context (GRCh38, chr19:35,831,052, plus strand): 5'-ACCCAGTCCAGGCGTCGGGGGTACCTCTGAGTGAGGGAATCCTGACATGGTCCTAACTCA[C>A]CTCGGGAATAAGACACCTCCTCCTGCGTCGGGGGCAGCTGGGGGCTGAAGTCCCTCAGGG-3'

ClinVar aggregate classification (germline): Pathogenic. Review status: criteria provided, multiple submitters, no conflicts (2 of 4 stars). 6 submissions from 6 submitters: Pathogenic (6). Last evaluated 2025-12-23.

Conditions:
Finnish congenital nephrotic syndrome (NPHS1). Also called: NEPHROTIC SYNDROME, TYPE 1. Identifiers: Orphanet 839, MedGen C0403399, MONDO:0009732, OMIM 256300.

Allele frequency attached by ClinVar (database versions not stated): ExAC 0.00003; gnomAD 0.00003; gnomAD exomes 0.00003 and 0.00011; TOPMed 0.00003; ESP Exome Variant Server 0.00015; 1000 Genomes Project 0.00040; 1000 Genomes Project 30x 0.00047.
gnomAD v4.1: 162 of 1,614,078 alleles (0.01%); highest among the groups gnomAD compares: Non-Finnish European, 0.013%; no homozygotes.

Submissions (6):

Labcorp Genetics (formerly Invitae), Labcorp
Classification: Pathogenic. Last evaluated: 2025-12-23. Review status: criteria provided, single submitter. Criteria: Invitae Variant Classification Sherloc (09022015). Collection method: clinical testing. Allele origin: germline.
Comment: This sequence change affects a donor splice site in intron 27 of the NPHS1 gene. It is expected to disrupt RNA splicing. Variants that disrupt the donor or acceptor splice site typically lead to a loss of protein function (PMID: 16199547), and loss-of-function variants in NPHS1 are known to be pathogenic (PMID: 11317351, 11854170, 12039988). This variant is present in population databases (rs142883811, gnomAD 0.007%). Disruption of this splice site has been observed in individuals with nephrotic syndrome (PMID: 20172850, 23949594). ClinVar contains an entry for this variant (Variation ID: 928578). Algorithms developed to predict the effect of sequence changes on RNA splicing suggest that this variant may disrupt the consensus splice site. For these reasons, this variant has been classified as Pathogenic.

Natera, Inc.
Classification: Pathogenic for Finnish congenital nephrotic syndrome. Last evaluated: 2025-06-27. Review status: criteria provided, single submitter. Criteria: Natera Variant Classification Schema (03/2026). Collection method: clinical testing. Allele origin: germline.
Comment: The c.3481+1G>T variant in NPHS1 is a canonical splice donor site variant predicted to affect pre-mRNA splicing, which may result in an abnormal transcript and altered protein product. This variant is expected to result in nonsense mediated decay, truncation, or a dysfunctional protein product. This variant is rare in the general population with a frequency below the threshold expected for the associated phenotype(s). This variant has been observed in one or more individuals affected with the associated recessive disease, as either homozygous or compound heterozygous with a second variant (PMID: 20172850). Given the available evidence, this variant is classified as Pathogenic.

GeneDx
Classification: Pathogenic. Last evaluated: 2022-06-21. Review status: criteria provided, single submitter. Criteria: GeneDx Variant Classification Process June 2021. Collection method: clinical testing. Allele origin: germline. Affected: yes.
Comment: Canonical splice site variant predicted to result in a null allele in a gene for which loss-of-function is a known mechanism of disease; Not observed at a significant frequency in large population cohorts (gnomAD); This variant is associated with the following publications: (PMID: 24142548, 23949594, 11317351, 25525159, 28117080, 28589210, 24902943, 17371932, 32939031, 20172850)

Fulgent Genetics
Classification: Pathogenic for Finnish congenital nephrotic syndrome. Last evaluated: 2022-05-10. Review status: criteria provided, single submitter. Criteria: ACMG Guidelines, 2015. Collection method: clinical testing. Allele origin: unknown.

Women's Health and Genetics/Laboratory Corporation of America, LabCorp
Classification: Pathogenic for Finnish congenital nephrotic syndrome. Last evaluated: 2019-05-17. Review status: criteria provided, single submitter. Criteria: LabCorp Variant Classification Summary - May 2015. Collection method: clinical testing. Allele origin: germline.
Comment: Variant summary: NPHS1 c.3481+1G>T is located in a canonical splice-site and is predicted to affect mRNA splicing resulting in a significantly altered protein due to either exon skipping, shortening, or inclusion of intronic material. Several computational tools predict a significant impact on normal splicing: Five predict the variant abolishes a 5' splicing donor site. However, these predictions have yet to be confirmed by functional studies. The variant allele was found at a frequency of 3.2e-05 in 251448 control chromosomes (gnomAD). c.3481+1G>T has been reported in the literature in multiple individuals affected with Nephrotic Syndrome (Beltcheva_2001, Wong_2013, Kari_2014, Schoeb_2010, Hines_2007). These data indicate that the variant is very likely to be associated with disease. To our knowledge, no experimental evidence demonstrating an impact on protein function has been reported. No clinical diagnostic laboratories have submitted clinical-significance assessments for this variant to ClinVar after 2014. Based on the evidence outlined above, the variant was classified as pathogenic.

Victorian Clinical Genetics Services, Murdoch Childrens Research Institute
Classification: Pathogenic for Finnish congenital nephrotic syndrome. Last evaluated: 2018-09-17. Review status: criteria provided, single submitter. Criteria: ACMG Guidelines, 2015. Collection method: clinical testing. Allele origin: unknown. Affected: yes.
Comment: A heterozygous canonical splice-site variant, NM_004646.3(NPHS1):c.3481+1G>T, has been identified in intron 27 of 28 of the NPHS1 gene. The variant is likely to cause a splice defect, resulting in an altered protein length. The nucleotide at this position has high conservation (Phylop UCSC). This nucleotide substitution is predicted to cause aberrant splicing of the gene and may result in a truncated protein; further testing via RNA studies are required to confirm if splicing is altered. The variant is present in the gnomAD database at a frequency of 0.003% (3 heterozygotes and 0 homozygotes), and has been reported multiple times in patients with nephrotic syndrome (Bierzynska A. et al. (2017), Wong W. et al. (2013), Schoeb D. et al. (2010)). Based on the information available at the time of curation, this variant has been classified as PATHOGENIC.

Literature cited by the submitters: PubMed 16199547 (cited by Labcorp Genetics (formerly Invitae), Labcorp); PubMed 11317351 (cited by Labcorp Genetics (formerly Invitae), Labcorp and Women's Health and Genetics/Laboratory Corporation of America, LabCorp); PubMed 11854170 (cited by Labcorp Genetics (formerly Invitae), Labcorp); PubMed 12039988 (cited by Labcorp Genetics (formerly Invitae), Labcorp); PubMed 20172850 (cited by 3 submitters); PubMed 23949594 (cited by Labcorp Genetics (formerly Invitae), Labcorp and Women's Health and Genetics/Laboratory Corporation of America, LabCorp); PubMed 17371932 (cited by Women's Health and Genetics/Laboratory Corporation of America, LabCorp); PubMed 24902943 (cited by Women's Health and Genetics/Laboratory Corporation of America, LabCorp).